The following is an entry in ClinVar:

ClinVar aggregate classification (germline): Uncertain significance (1 of 4 stars; one submission).

Conditions:
DCTN1-related disorder. Also called: DCTN1-related condition.

Submission:

PreventionGenetics, part of Exact Sciences
Classification: Uncertain significance for DCTN1-related condition. Last evaluated: 2022-09-14. Review status: criteria provided, single submitter. Criteria: ACMG Guidelines, 2015. Collection method: clinical testing. Allele origin: germline.
Comment: The DCTN1 c.3032_3033delAG variant is predicted to result in a frameshift and premature protein termination (p.Glu1011Valfs*2). To our knowledge, this variant has not been reported in the literature or in a large population database, indicating this variant is rare. A majority of causative changes are missense alterations; however a small number of early termination changes have also been reported in affected individuals (Farrer et al. 2009. PubMed ID: 19136952; Caroppo et al. 2014. PubMed ID: 24343258; Human Gene Mutation Database). At this time, the clinical significance of this variant is uncertain due to the absence of conclusive functional and genetic evidence.

NM_004082.4(DCTN1):c.3032_3033delAG

Gene: DCTN1 (dynactin subunit 1; minus strand). Cytogenetic location: 2p13.1.
Variant type: Microsatellite.
Coding change: c.3032_3033delAG on transcript NM_004082.4; coding-DNA positions 3032 to 3033, 2 bases deleted (AG).
Genome position (GRCh38, 1-based): chr2:74,365,238-74,365,239, CT deleted on the plus strand (AG on the coding strand, the reverse complement: DCTN1 is on the minus strand); deleting any 2 consecutive bases within chr2:74,365,238-74,365,243 gives the same sequence; the c. name uses the placement nearest the transcript's 3' end. VCF-style (leftmost placement, unchanged base first): chr2-74365237-ACT-A. GRCh37 (hg19) VCF-style: chr2-74592364-ACT-A.
Identifiers: ClinVar variation 2636486 (VCV002636486.1), dbSNP rs2529101590, ClinGen allele CA2695200837.